The following is an entry in ClinVar:

ClinVar aggregate classification (germline): Uncertain significance (1 of 4 stars; one submission).

Conditions:
Inborn genetic diseases. Identifiers: MedGen C0950123, MeSH D030342.

Allele frequency attached by ClinVar (database versions not stated): gnomAD exomes 0.00001.

Submission:

Ambry Genetics
Classification: Uncertain significance for Inborn genetic diseases. Last evaluated: 2022-07-17. Review status: criteria provided, single submitter. Criteria: Ambry Variant Classification Scheme 2023. Collection method: clinical testing. Allele origin: germline.
Comment: The p.S326F variant (also known as c.977C>T), located in coding exon 9 of the MDH2 gene, results from a C to T substitution at nucleotide position 977. The serine at codon 326 is replaced by phenylalanine, an amino acid with highly dissimilar properties. This amino acid position is conserved. In addition, the in silico prediction for this alteration is inconclusive. Since supporting evidence is limited at this time, the clinical significance of this alteration remains unclear.

NM_005918.4(MDH2):c.977C>T (p.Ser326Phe)

Gene: MDH2 (malate dehydrogenase 2; plus strand). Cytogenetic location: 7q11.23.
Variant type: single nucleotide variant.
Coding change: c.977C>T on transcript NM_005918.4 (MANE Select); coding-DNA position 977, C replaced by T.
Protein change: p.Ser326Phe; replaces serine 326 with phenylalanine.
Molecular consequence: missense variant.
Genome position (GRCh38, 1-based): chr7:76,066,370, C>T. VCF-style: chr7-76066370-C-T. GRCh37 (hg19) VCF-style: chr7-75695688-C-T.
Other names: c.851C>T, p.Ser284Phe (NM_001282403.2); c.656C>T, p.Ser219Phe (NM_001282404.2); short protein forms S219F, S326F, S284F.
Identifiers: ClinVar variation 1768165 (VCV001768165.2), dbSNP rs987798205, ClinGen allele CA160914868.
Genomic context (GRCh38, chr7:76,066,370, plus strand): 5'-GCAAAGTCTCCTCTTTTGAGGAGAAGATGATCTCGGATGCCATCCCCGAGCTGAAGGCCT[C>T]CATCAAGAAGGGGGAAGATTTCGTGAAGACCCTGAAGTGAGCCGCTGTGACGGGTGGCCA-3'
Protein context (NP_005909.2, residues 316-336): ISDAIPELKA[Ser326Phe]IKKGEDFVKT